The following is an entry in ClinVar:

NM_181078.3(IL21R):c.-17+439T>G

Gene: IL21R (interleukin 21 receptor; plus strand). Cytogenetic location: 16p12.1.
Variant type: single nucleotide variant.
Coding change: c.-17+439T>G on transcript NM_181078.3 (MANE Select); 439 bases into the intron after 17 bases upstream of the start codon, T replaced by G.
Molecular consequence: intron variant.
Genome position (GRCh38, 1-based): chr16:27,403,057, T>G. VCF-style: chr16-27403057-T-G. GRCh37 (hg19) VCF-style: chr16-27414378-T-G.
Other names: NC_000016.9:g.27414378T>G; c.-91-23T>G (NM_181079.5).
Identifiers: ClinVar variation 1233904 (VCV001233904.7), dbSNP rs6498021, ClinGen allele CA279706827.

ClinVar aggregate classification (germline): Benign. Review status: criteria provided, multiple submitters, no conflicts (2 of 4 stars). 3 submissions from 3 submitters: Benign (3). Last evaluated 2023-11-12.

Allele frequency attached by ClinVar (database versions not stated): gnomAD exomes 0.87120; 1000 Genomes Project 0.88139; 1000 Genomes Project 30x 0.88460; TOPMed 0.89251; gnomAD 0.89353 and 0.89582.
gnomAD v4.1: 422,847 of 481,668 alleles (88%); highest among the groups gnomAD compares: African/African-American, 96%; 186,163 homozygotes.

Submissions (8):

Unidad de Genómica Garrahan, Hospital de Pediatría Garrahan
Classification: Benign. Last evaluated: 2023-11-12. Review status: criteria provided, single submitter. Criteria: ACMG Guidelines, 2015. Collection method: clinical testing. Allele origin: germline. Affected: no. Observed: 93 variant alleles.
Comment: This variant is classified as Benign based on local population frequency. This variant was detected in 97% of patients studied by a panel of primary immunodeficiencies. Number of patients: 93. Only high quality variants are reported.

GeneDx
Classification: Benign. Last evaluated: 2018-11-12. Review status: criteria provided, single submitter. Criteria: GeneDx Variant Classification Process June 2021. Collection method: clinical testing. Allele origin: germline. Affected: yes.

Breakthrough Genomics
Classification: Benign. Review status: criteria provided, single submitter. Criteria: ACMG Guidelines, 2015. Collection method: not provided. Allele origin: germline. Inheritance: Autosomal recessive inheritance. Affected: yes.

Dr. Peter K. Rogan Lab, Western University
No classification provided (evidence only). Condition: Lung cancer. Review status: no classification provided. Collection method: in vitro. Allele origin: not applicable. Functional consequence: retained intron. Not counted in ClinVar's aggregate classification.

Dr. Peter K. Rogan Lab, Western University
No classification provided (evidence only). Condition: Ovarian serous cystadenocarcinoma. Review status: no classification provided. Collection method: in vitro. Allele origin: not applicable. Functional consequence: retained intron. Not counted in ClinVar's aggregate classification.

Dr. Peter K. Rogan Lab, Western University
No classification provided (evidence only). Condition: Ovarian serous cystadenocarcinoma. Review status: no classification provided. Collection method: in vitro. Allele origin: not applicable. Functional consequence: retained intron. Not counted in ClinVar's aggregate classification.

Dr. Peter K. Rogan Lab, Western University
No classification provided (evidence only). Condition: Ovarian serous cystadenocarcinoma. Review status: no classification provided. Collection method: in vitro. Allele origin: not applicable. Functional consequence: skipped exon, retained intron. Not counted in ClinVar's aggregate classification.

Dr. Peter K. Rogan Lab, Western University
No classification provided (evidence only). Condition: Gastric cancer. Review status: no classification provided. Collection method: in vitro. Allele origin: not applicable. Functional consequence: retained intron. Not counted in ClinVar's aggregate classification.